The following is an entry in ClinVar:

NM_000179.3(MSH6):c.3930G>T (p.Glu1310Asp)

Gene: MSH6 (mutS homolog 6; plus strand). Cytogenetic location: 2p16.3.
Variant type: single nucleotide variant.
Coding change: c.3930G>T on transcript NM_000179.3 (MANE Select); coding-DNA position 3930, G replaced by T.
Protein change: p.Glu1310Asp; replaces glutamic acid 1310 with aspartic acid.
Molecular consequence: missense variant.
Genome position (GRCh38, 1-based): chr2:47,806,580, G>T. VCF-style: chr2-47806580-G-T. GRCh37 (hg19) VCF-style: chr2-48033719-G-T.
Other names: c.3540G>T, p.Glu1180Asp (NM_001281492.2); c.3024G>T, p.Glu1008Asp (NM_001281493.2, NM_001281494.2); short protein forms E1180D, E1008D, E1310D.
Identifiers: ClinVar variation 863587 (VCV000863587.11), dbSNP rs267608129, ClinGen allele CA346761480.

ClinVar aggregate classification (germline): Uncertain significance (1 of 4 stars; one submission).

Conditions:
Hereditary nonpolyposis colorectal neoplasms. Identifiers: MedGen C0009405, MeSH D003123.

Submission:

Labcorp Genetics (formerly Invitae), Labcorp
Classification: Uncertain significance for Hereditary nonpolyposis colorectal neoplasms. Last evaluated: 2019-12-15. Review status: criteria provided, single submitter. Criteria: Invitae Variant Classification Sherloc (09022015). Collection method: clinical testing. Allele origin: germline.
Comment: In summary, the available evidence is currently insufficient to determine the role of this variant in disease. Therefore, it has been classified as a Variant of Uncertain Significance. An algorithm developed specifically for the MSH6 gene suggests that this missense change is likely to be tolerated (PMID: 23621914). However, this prediction has not been confirmed by published functional studies and its clinical significance is uncertain. This variant has been observed in individual(s) with clinical features of Lynch syndrome (PMID: 18269114). This variant is not present in population databases (ExAC no frequency). This sequence change replaces glutamic acid with aspartic acid at codon 1310 of the MSH6 protein (p.Glu1310Asp). The glutamic acid residue is moderately conserved and there is a small physicochemical difference between glutamic acid and aspartic acid.

Literature cited by the submitters: PubMed 23621914; PubMed 18269114.